The following is an entry in ClinVar:

NM_000103.4(CYP19A1):c.116G>A (p.Trp39Ter)

Genes: MIR4713HG (MIR4713 host gene; plus strand), CYP19A1 (cytochrome P450 family 19 subfamily A member 1; minus strand), PIRC66 (piwi-interacting RNA cluster 66; plus strand). Cytogenetic location: 15q21.2.
Variant type: single nucleotide variant.
Coding change: c.116G>A on transcript NM_000103.4 (MANE Select); coding-DNA position 116, G replaced by A.
Protein change: p.Trp39Ter; replaces tryptophan 39 with a stop codon.
Molecular consequence: nonsense.
Genome position (GRCh38, 1-based): chr15:51,242,797, C>T on the plus strand (G>A on the coding strand, the complement: CYP19A1 is on the minus strand). VCF-style: chr15-51242797-C-T. GRCh37 (hg19) VCF-style: chr15-51534994-C-T.
Other names: c.116G>A, p.Trp39Ter (NM_001347248.1, NM_001347249.2, NM_001347250.2 and 7 more transcripts); short protein forms W39*.
Identifiers: ClinVar variation 4816267 (VCV004816267.1).

ClinVar aggregate classification (germline): Likely pathogenic (1 of 4 stars; one submission).

Conditions:
Aromatase deficiency. Also called: PSEUDOHERMAPHRODITISM, FEMALE, DUE TO PLACENTAL AROMATASE DEFICIENCY; Increased aromatase activity. Identifiers: Orphanet 91, MedGen C1960539, MONDO:0013301, OMIM 613546.

Submission:

Natera, Inc.
Classification: Likely pathogenic for Aromatase deficiency. Last evaluated: 2025-07-10. Review status: criteria provided, single submitter. Criteria: Natera Variant Classification Schema (03/2026). Collection method: clinical testing. Allele origin: germline.
Comment: The c.116G>A variant in CYP19A1 is a nonsense variant predicted to introduce a stop codon at amino acid 39. This variant is expected to result in nonsense mediated decay, truncation, or a dysfunctional protein product. This variant is rare in the general population with a frequency below the threshold expected for the associated phenotype(s). Given the available evidence, this variant is classified as Likely Pathogenic.